The following is an entry in ClinVar:

NM_000138.5(FBN1):c.4088-1G>A

Gene: FBN1 (fibrillin 1; minus strand). Cytogenetic location: 15q21.1.
Variant type: single nucleotide variant.
Coding change: c.4088-1G>A on transcript NM_000138.5 (MANE Select); the canonical splice acceptor site of the intron before coding-DNA position 4088, G replaced by A.
Molecular consequence: splice acceptor variant.
Genome position (GRCh38, 1-based): chr15:48,474,378, C>T on the plus strand (G>A on the coding strand, the complement: FBN1 is on the minus strand). VCF-style: chr15-48474378-C-T. GRCh37 (hg19) VCF-style: chr15-48766575-C-T.
Other names: c.4088-1G>A (NM_001406716.1).
Identifiers: ClinVar variation 4820420 (VCV004820420.1).
Genomic context (GRCh38, chr15:48,474,378, plus strand): 5'-TATTCTTGCAGTCTGCATGCTGGCTGCACATATGGGTTCCATTGGAACATTCGTCCAGAT[C>T]TTATAGAAAAAGGTTATATCATTATTAACAGAAAGGGTGGTATTTAAAACCAATAATACA-3'

ClinVar aggregate classification (germline): Likely pathogenic (1 of 4 stars; one submission).

Conditions:
Cardiovascular phenotype. Identifiers: MedGen CN230736.

Submission:

Molecular Diagnostic Laboratory for Inherited Cardiovascular Disease, Montreal Heart Institute
Classification: Likely pathogenic for Cardiovascular phenotype. Last evaluated: 2025-11-20. Review status: criteria provided, single submitter. Criteria: ACMG Guidelines, 2015. Collection method: clinical testing. Allele origin: germline. Affected: yes.
Comment: PVS1_strong, PM2